The following is an entry in ClinVar:

NM_001080467.3(MYO5B):c.926G>A (p.Arg309Gln)

Gene: MYO5B (myosin VB; minus strand). Cytogenetic location: 18q21.1.
Variant type: single nucleotide variant.
Coding change: c.926G>A on transcript NM_001080467.3 (MANE Select); coding-DNA position 926, G replaced by A.
Protein change: p.Arg309Gln; replaces arginine 309 with glutamine.
Molecular consequence: missense variant.
Genome position (GRCh38, 1-based): chr18:49,984,738, C>T on the plus strand (G>A on the coding strand, the complement: MYO5B is on the minus strand). VCF-style: chr18-49984738-C-T. GRCh37 (hg19) VCF-style: chr18-47511108-C-T.
Other names: short protein forms R309Q.
Identifiers: ClinVar variation 327074 (VCV000327074.10), dbSNP rs200142429, ClinGen allele CA8961717.
Genomic context (GRCh38, chr18:49,984,738, plus strand): 5'-AGCCCTCGGGGCCTGCTTCCCCAACTAAGAAGCTCCTTACCGAGGAGTGTGAAGGCTTGT[C>T]GAGTCTTCTCAAAGTCCTCAGCATCGTCCACACCCTCGATGGAAGTGTCTCCTCCCTGTG-3'
Protein context (NP_001073936.1, residues 299-319): VDDAEDFEKT[Arg309Gln]QAFTLLGVKE

ClinVar aggregate classification (germline): Uncertain significance. Review status: criteria provided, multiple submitters, no conflicts (2 of 4 stars). 4 submissions from 4 submitters: Uncertain significance (4). Last evaluated 2024-10-09.

Conditions:
Inborn genetic diseases. Identifiers: MedGen C0950123, MeSH D030342.
Congenital microvillous atrophy (DIAR2). Also called: Microvillus inclusion disease; MICROVILLUS ATROPHY, CONGENITAL; CONGENITAL FAMILIAL PROTRACTED DIARRHEA WITH ENTEROCYTE BRUSH-BORDER ABNORMALITIES; DAVIDSON DISEASE; Diarrhea 2 with microvillus atrophy, with or without cholestasis. Identifiers: Orphanet 2290, MedGen C0341306, MONDO:0009635, OMIM 251850.
MYO5B-related disorder. Also called: MYO5B-related condition.

Allele frequency attached by ClinVar (database versions not stated): gnomAD 0.00027 and 0.00030; TOPMed 0.00028; ESP Exome Variant Server 0.00057.
gnomAD v4.1: 679 of 1,612,540 alleles (0.042%); highest among the groups gnomAD compares: Non-Finnish European, 0.055%; no homozygotes.

Submissions (4):

PreventionGenetics, part of Exact Sciences
Classification: Uncertain significance for MYO5B-related condition. Last evaluated: 2024-10-09. Review status: criteria provided, single submitter. Criteria: ACMG Guidelines, 2015. Collection method: clinical testing. Allele origin: germline.
Comment: The MYO5B c.926G>A variant is predicted to result in the amino acid substitution p.Arg309Gln. To our knowledge, this variant has not been reported in the literature. This variant is reported in 0.042% of alleles in individuals of European (Non-Finnish) descent in gnomAD. At this time, the clinical significance of this variant is uncertain due to the absence of conclusive functional and genetic evidence.

Ambry Genetics
Classification: Uncertain significance for Inborn genetic diseases. Last evaluated: 2024-05-21. Review status: criteria provided, single submitter. Criteria: Ambry Variant Classification Scheme 2023. Collection method: clinical testing. Allele origin: germline.

Labcorp Genetics (formerly Invitae), Labcorp
Classification: Uncertain significance. Last evaluated: 2022-09-19. Review status: criteria provided, single submitter. Criteria: Invitae Variant Classification Sherloc (09022015). Collection method: clinical testing. Allele origin: germline.
Comment: This sequence change replaces arginine, which is basic and polar, with glutamine, which is neutral and polar, at codon 309 of the MYO5B protein (p.Arg309Gln). This variant is present in population databases (rs200142429, gnomAD 0.04%). This variant has not been reported in the literature in individuals affected with MYO5B-related conditions. ClinVar contains an entry for this variant (Variation ID: 327074). Advanced modeling of protein sequence and biophysical properties (such as structural, functional, and spatial information, amino acid conservation, physicochemical variation, residue mobility, and thermodynamic stability) performed at Invitae indicates that this missense variant is not expected to disrupt MYO5B protein function. In summary, the available evidence is currently insufficient to determine the role of this variant in disease. Therefore, it has been classified as a Variant of Uncertain Significance.

Illumina Laboratory Services, Illumina
Classification: Uncertain significance for Congenital microvillous atrophy. Last evaluated: 2018-01-12. Review status: criteria provided, single submitter. Criteria: ICSL Variant Classification Criteria 13 December 2019. Collection method: clinical testing. Allele origin: germline.